The following is an entry in ClinVar:

ClinVar aggregate classification (germline): Likely pathogenic (1 of 4 stars; one submission).

Submission:

GeneDx
Classification: Likely pathogenic. Last evaluated: 2018-06-12. Review status: criteria provided, single submitter. Criteria: GeneDx Variant Classification (06012015). Collection method: clinical testing. Allele origin: germline. Affected: yes.
Comment: The c.2050dupG variant in the SATB2 gene has not been reported previously as a pathogenic variant nor as a benign variant, to our knowledge. The c.2050dupG variant causes a frameshift starting with codon Valine 684, changes this amino acid to a Glycine residue, and creates a premature Stop codon at position 5 of the new reading frame, denoted p.Val684GlyfsX5. This variant is predicted to cause loss of normal protein function through protein truncation, as the last 50 amino acids are lost and replaced with 4 incorrect amino acids. The c.2050dupG variant is not observed in large population cohorts (Lek et al., 2016). We interpret c.2050dupG as a likely pathogenic variant.

NM_001172509.2(SATB2):c.2050dup (p.Val684fs)

Genes: SATB2 (SATB homeobox 2; minus strand), LOC126806462 (MED14-independent group 3 enhancer GRCh37_chr2:200136608-200137807; plus strand). Cytogenetic location: 2q33.1.
Variant type: Duplication.
Coding change: c.2050dup on transcript NM_001172509.2 (MANE Select); coding-DNA position 2050, one base duplicated (G; older notation c.2050dupG).
Protein change: p.Val684fs; shifts the reading frame from valine 684.
Molecular consequence: frameshift variant.
Genome position (GRCh38, 1-based): chr2:199,272,363, C duplicated on the plus strand (G on the coding strand, the reverse complement: SATB2 is on the minus strand); the first of 2 consecutive C bases (chr2:199,272,363-199,272,364); duplicating either gives the same sequence. VCF-style (leftmost placement, unchanged base first): chr2-199272362-A-AC. GRCh37 (hg19) VCF-style: chr2-200137085-A-AC.
Other names: c.2050dup, p.Val684fs (NM_001172517.1, NM_015265.4); c.2050dupG (NM_015265.3); short protein forms V684fs.
Identifiers: ClinVar variation 504000 (VCV000504000.2), dbSNP rs1553538888, ClinGen allele CA658796140.